The following is an entry in ClinVar:

ClinVar aggregate classification (germline): Uncertain significance (1 of 4 stars; one submission).

Submission:

Labcorp Genetics (formerly Invitae), Labcorp
Classification: Uncertain significance. Last evaluated: 2022-08-01. Review status: criteria provided, single submitter. Criteria: Invitae Variant Classification Sherloc (09022015). Collection method: clinical testing. Allele origin: germline.
Comment: This variant has not been reported in the literature in individuals affected with CLUAP1-related conditions. In summary, the available evidence is currently insufficient to determine the role of this variant in disease. Therefore, it has been classified as a Variant of Uncertain Significance. Algorithms developed to predict the effect of missense changes on protein structure and function (SIFT, PolyPhen-2, Align-GVGD) all suggest that this variant is likely to be tolerated. This sequence change replaces aspartic acid, which is acidic and polar, with glutamic acid, which is acidic and polar, at codon 156 of the CLUAP1 protein (p.Asp156Glu). This variant is not present in population databases (gnomAD no frequency).

NM_015041.3(CLUAP1):c.468C>G (p.Asp156Glu)

Gene: CLUAP1 (clusterin associated protein 1; plus strand). Cytogenetic location: 16p13.3.
Variant type: single nucleotide variant.
Coding change: c.468C>G on transcript NM_015041.3 (MANE Select); coding-DNA position 468, C replaced by G.
Protein change: p.Asp156Glu; replaces aspartic acid 156 with glutamic acid.
Molecular consequence: missense variant. On other transcripts: intron variant (1).
Genome position (GRCh38, 1-based): chr16:3,512,451, C>G. VCF-style: chr16-3512451-C-G. GRCh37 (hg19) VCF-style: chr16-3562451-C-G.
Other names: c.468C>G, p.Asp156Glu (NM_001330454.2); c.-4+2482C>G (NM_024793.3); short protein forms D156E.
Identifiers: ClinVar variation 2128512 (VCV002128512.4), dbSNP rs2543944762, ClinGen allele CA394512813.